The following is an entry in ClinVar:

ClinVar aggregate classification (germline): Uncertain significance. Review status: criteria provided, multiple submitters, no conflicts (2 of 4 stars). 3 submissions from 3 submitters: Uncertain significance (3). Last evaluated 2026-04-23.

Conditions:
DPM3-congenital disorder of glycosylation (MDDGC15). Also called: CDG Io; CDG1(DPM3); MUSCULAR DYSTROPHY-DYSTROGLYCANOPATHY (LIMB-GIRDLE), TYPE C, 15; DPM3-CDG. Identifiers: Orphanet 263494, MedGen C2752007, MONDO:0013049, OMIM 612937.

Allele frequency attached by ClinVar (database versions not stated): gnomAD 0.00002; TOPMed 0.00002.

Submissions (3):

GeneDx
Classification: Uncertain significance. Last evaluated: 2026-04-23. Review status: criteria provided, single submitter. Criteria: GeneDx Variant Classification Process June 2021. Collection method: clinical testing. Allele origin: germline.
Comment: Not observed at significant frequency in large population cohorts (gnomAD); In silico analysis supports that this missense variant has a deleterious effect on protein structure/function; Has not been previously published as pathogenic or benign to our knowledge

Ambry Genetics
Classification: Uncertain significance. Last evaluated: 2025-06-24. Review status: criteria provided, single submitter. Criteria: Ambry Variant Classification Scheme 2023. Collection method: clinical testing. Allele origin: germline.

Labcorp Genetics (formerly Invitae), Labcorp
Classification: Uncertain significance for DPM3-congenital disorder of glycosylation. Last evaluated: 2025-04-07. Review status: criteria provided, single submitter. Criteria: Invitae Variant Classification Sherloc (09022015). Collection method: clinical testing. Allele origin: germline.
Comment: This sequence change replaces arginine, which is basic and polar, with leucine, which is neutral and non-polar, at codon 60 of the DPM3 protein (p.Arg60Leu). This variant is present in population databases (rs773427971, gnomAD 0.009%). This variant has not been reported in the literature in individuals affected with DPM3-related conditions. ClinVar contains an entry for this variant (Variation ID: 471063). An algorithm developed to predict the effect of missense changes on protein structure and function (PolyPhen-2) suggests that this variant is likely to be disruptive. In summary, the available evidence is currently insufficient to determine the role of this variant in disease. Therefore, it has been classified as a Variant of Uncertain Significance.

NM_153741.2(DPM3):c.179G>T (p.Arg60Leu)

Gene: DPM3 (dolichyl-phosphate mannosyltransferase subunit 3, regulatory; minus strand). Cytogenetic location: 1q22.
Variant type: single nucleotide variant.
Coding change: c.179G>T on transcript NM_153741.2 (MANE Select); coding-DNA position 179, G replaced by T.
Protein change: p.Arg60Leu; replaces arginine 60 with leucine.
Molecular consequence: missense variant.
Genome position (GRCh38, 1-based): chr1:155,140,062, C>A on the plus strand (G>T on the coding strand, the complement: DPM3 is on the minus strand). VCF-style: chr1-155140062-C-A. GRCh37 (hg19) VCF-style: chr1-155112538-C-A.
Other names: c.269G>T, p.Arg90Leu (NM_018973.4); short protein forms R60L, R90L.
Identifiers: ClinVar variation 471063 (VCV000471063.15), dbSNP rs773427971, ClinGen allele CA1138414.